The following is an entry in ClinVar:

ClinVar aggregate classification (germline): Likely benign. Review status: criteria provided, multiple submitters, no conflicts (2 of 4 stars). 2 submissions from 2 submitters: Likely benign (2). Last evaluated 2024-09-18.

Allele frequency attached by ClinVar (database versions not stated): TOPMed 0.00002; ExAC 0.00021.
gnomAD v4.1: 21 of 1,362,384 alleles (0.0015%); highest among the groups gnomAD compares: South Asian, 0.0037%; no homozygotes.

Submissions (2):

Women's Health and Genetics/Laboratory Corporation of America, LabCorp
Classification: Likely benign. Last evaluated: 2024-09-18. Review status: criteria provided, single submitter. Criteria: LabCorp Variant Classification Summary - May 2015. Collection method: clinical testing. Allele origin: germline.
Comment: Variant summary: ARID1A c.882C>T alters a non-conserved nucleotide resulting in a synonymous change. Consensus agreement among computation tools predict no significant impact on normal splicing. However, these predictions have yet to be confirmed by functional studies. The frequency data for this variant in gnomAD is considered unreliable, as metrics indicate poor data quality at this position. To our knowledge, no occurrence of c.882C>T in individuals affected with Mental Retardation, Autosomal Dominant 14 and no experimental evidence demonstrating its impact on protein function have been reported. ClinVar contains an entry for this variant (Variation ID: 2892552). Based on the evidence outlined above, the variant was classified as likely benign.

Labcorp Genetics (formerly Invitae), Labcorp
Classification: Likely benign. Last evaluated: 2024-06-21. Review status: criteria provided, single submitter. Criteria: Invitae Variant Classification Sherloc (09022015). Collection method: clinical testing. Allele origin: germline.

NM_006015.6(ARID1A):c.882C>T (p.Thr294=)

Genes: ARID1A (AT-rich interaction domain 1A; plus strand), LOC129929837 (ATAC-STARR-seq lymphoblastoid silent region 489; plus strand). Cytogenetic location: 1p36.11.
Variant type: single nucleotide variant.
Coding change: c.882C>T on transcript NM_006015.6 (MANE Select); coding-DNA position 882, C replaced by T.
Protein change: p.Thr294=; no amino-acid change (threonine 294 retained).
Molecular consequence: synonymous variant.
Genome position (GRCh38, 1-based): chr1:26,697,285, C>T. VCF-style: chr1-26697285-C-T. GRCh37 (hg19) VCF-style: chr1-27023776-C-T.
Other names: c.882C>T, p.Thr294= (NM_139135.4).
Identifiers: ClinVar variation 2892552 (VCV002892552.4), dbSNP rs746292498, ClinGen allele CA706701.